The following is an entry in ClinVar:

ClinVar aggregate classification (germline): Uncertain significance (1 of 4 stars; one submission).

Submission:

Labcorp Genetics (formerly Invitae), Labcorp
Classification: Uncertain significance. Last evaluated: 2021-05-31. Review status: criteria provided, single submitter. Criteria: Invitae Variant Classification Sherloc (09022015). Collection method: clinical testing. Allele origin: germline.
Comment: This variant is not present in population databases (ExAC no frequency). This sequence change replaces proline with leucine at codon 1223 of the C3 protein (p.Pro1223Leu). The proline residue is moderately conserved and there is a moderate physicochemical difference between proline and leucine. This variant has not been reported in the literature in individuals with C3-related conditions. In summary, the available evidence is currently insufficient to determine the role of this variant in disease. Therefore, it has been classified as a Variant of Uncertain Significance. Algorithms developed to predict the effect of missense changes on protein structure and function (SIFT, PolyPhen-2, Align-GVGD) all suggest that this variant is likely to be tolerated, but these predictions have not been confirmed by published functional studies and their clinical significance is uncertain.

NM_000064.4(C3):c.3668C>T (p.Pro1223Leu)

Gene: C3 (complement C3; minus strand). Cytogenetic location: 19p13.3.
Variant type: single nucleotide variant.
Coding change: c.3668C>T on transcript NM_000064.4 (MANE Select); coding-DNA position 3668, C replaced by T.
Protein change: p.Pro1223Leu; replaces proline 1223 with leucine.
Molecular consequence: missense variant.
Genome position (GRCh38, 1-based): chr19:6,686,266, G>A on the plus strand (C>T on the coding strand, the complement: C3 is on the minus strand). VCF-style: chr19-6686266-G-A. GRCh37 (hg19) VCF-style: chr19-6686277-G-A.
Other names: short protein forms P1223L.
Identifiers: ClinVar variation 1419844 (VCV001419844.8), dbSNP rs2145398174, ClinGen allele CA403620131.